The following is an entry in ClinVar:

NM_001354712.2(THRB):c.*4796T>C

Gene: THRB (thyroid hormone receptor beta; minus strand). Cytogenetic location: 3p24.2.
Variant type: single nucleotide variant.
Coding change: c.*4796T>C on transcript NM_001354712.2 (MANE Select); 4796 bases downstream of the stop codon, T replaced by C.
Molecular consequence: 3 prime UTR variant.
Genome position (GRCh38, 1-based): chr3:24,118,088, A>G on the plus strand (T>C on the coding strand, the complement: THRB is on the minus strand). VCF-style: chr3-24118088-A-G. GRCh37 (hg19) VCF-style: chr3-24159579-A-G.
Other names: c.*4796T>C (NM_000461.5, NM_001128176.3, NM_001128177.2 and 8 more transcripts).
Identifiers: ClinVar variation 344551 (VCV000344551.5), dbSNP rs139568686, ClinGen allele CA10617927.

ClinVar aggregate classification (germline): Benign (1 of 4 stars; one submission).

Conditions:
Thyroid hormone resistance, generalized, autosomal dominant (GRTHD). Also called: HYPERTHYROXINEMIA, FAMILIAL EUTHYROID, SECONDARY TO PITUITARY AND PERIPHERAL RESISTANCE TO THYROID HORMONES. Identifiers: MedGen C2937288, MONDO:0008569, OMIM 188570.

Allele frequency attached by ClinVar (database versions not stated): gnomAD exomes 0.00617; 1000 Genomes Project 30x 0.00937; gnomAD 0.00937 and 0.01020; 1000 Genomes Project 0.00958; TOPMed 0.01019.
gnomAD v4.1: 1,550 of 152,616 alleles (1%); highest among the groups gnomAD compares: Middle Eastern, 4.4%; 15 homozygotes.

Submission:

Illumina Laboratory Services, Illumina
Classification: Benign for Thyroid hormone resistance, generalized, autosomal dominant. Last evaluated: 2018-01-12. Review status: criteria provided, single submitter. Criteria: ICSL Variant Classification Criteria 13 December 2019. Collection method: clinical testing. Allele origin: germline.
Comment: This variant was observed in the ICSL laboratory as part of a predisposition screen in an ostensibly healthy population. It had not been previously curated by ICSL or reported in the Human Gene Mutation Database (HGMD: prior to June 1st, 2018), and was therefore a candidate for classification through an automated scoring system. Utilizing variant allele frequency, disease prevalence and penetrance estimates, and inheritance mode, an automated score was calculated to assess if this variant is too frequent to cause the disease. Based on the score and internal cut-off values, a variant classified as benign is not then subjected to further curation. The score for this variant resulted in a classification of benign for this disease.